The following is an entry in ClinVar:

NM_022042.4(SLC26A1):c.1519C>T (p.Arg507Cys)

Genes: IDUA (alpha-L-iduronidase; plus strand), SLC26A1 (solute carrier family 26 member 1; minus strand). Cytogenetic location: 4p16.3.
Variant type: single nucleotide variant.
Coding change: c.1519C>T on transcript NM_022042.4 (MANE Select); coding-DNA position 1519, C replaced by T.
Protein change: p.Arg507Cys; replaces arginine 507 with cysteine.
Molecular consequence: missense variant. On other transcripts: intron variant (2).
Genome position (GRCh38, 1-based): chr4:989,420, G>A on the plus strand (C>T on the coding strand, the complement: SLC26A1 is on the minus strand). VCF-style: chr4-989420-G-A. GRCh37 (hg19) VCF-style: chr4-983208-G-A.
Other names: c.1519C>T, p.Arg507Cys (NM_213613.4); c.576+1708C>T (NM_134425.4); c.299+1471G>A (NM_000203.5); short protein forms R507C.
Identifiers: ClinVar variation 2195667 (VCV002195667.5), dbSNP rs368806302, ClinGen allele CA2801363.
Genomic context (GRCh38, chr4:989,420, plus strand): 5'-CTGTGGCATCCTCGTAGAAGGCCGTGTCCCCGATGCGGGCCAGCAGGGCGGTGCGTGGGC[G>A]TTGGGTGCGGCCGGCCAGGCTGAGCAGCGAGAGGATGACGCCAGCCAGCAGCCCGGCCTC-3'
Protein context (NP_071325.2, residues 497-517): SLLSLAGRTQ[Arg507Cys]PRTALLARIG

ClinVar aggregate classification (germline): Uncertain significance. Review status: criteria provided, multiple submitters, no conflicts (2 of 4 stars). 2 submissions from 2 submitters: Uncertain significance (2). Last evaluated 2024-02-26.

Conditions:
Inborn genetic diseases. Identifiers: MedGen C0950123, MeSH D030342.

gnomAD v4.1: 66 of 1,556,458 alleles (0.0042%); highest among the groups gnomAD compares: South Asian, 0.011%; no homozygotes.

Submissions (2):

Ambry Genetics
Classification: Uncertain significance for Inborn genetic diseases. Last evaluated: 2024-02-26. Review status: criteria provided, single submitter. Criteria: Ambry Variant Classification Scheme 2023. Collection method: clinical testing. Allele origin: germline.

Labcorp Genetics (formerly Invitae), Labcorp
Classification: Uncertain significance. Last evaluated: 2022-02-11. Review status: criteria provided, single submitter. Criteria: Invitae Variant Classification Sherloc (09022015). Collection method: clinical testing. Allele origin: germline.
Comment: This sequence change replaces arginine, which is basic and polar, with cysteine, which is neutral and slightly polar, at codon 507 of the SLC26A1 protein (p.Arg507Cys). This variant is present in population databases (rs368806302, gnomAD 0.02%). This variant has not been reported in the literature in individuals affected with SLC26A1-related conditions. Algorithms developed to predict the effect of missense changes on protein structure and function are either unavailable or do not agree on the potential impact of this missense change (SIFT: "Deleterious"; PolyPhen-2: "Possibly Damaging"; Align-GVGD: "Class C0"). In summary, the available evidence is currently insufficient to determine the role of this variant in disease. Therefore, it has been classified as a Variant of Uncertain Significance.